The following is an entry in ClinVar:

ClinVar aggregate classification (germline): Uncertain significance (1 of 4 stars; one submission).

Conditions:
Charcot-Marie-Tooth disease type 1C. Also called: CMT, SLOW NERVE CONDUCTION TYPE C; HMSN IC; Charcot-Marie-Tooth disease, type IC; CHARCOT-MARIE-TOOTH DISEASE, DEMYELINATING, TYPE 1C; NEUROPATHY, HEREDITARY MOTOR AND SENSORY, TYPE IC; CHARCOT-MARIE-TOOTH NEUROPATHY, TYPE 1C. Identifiers: Orphanet 101083, MedGen C0270913, MONDO:0010995, OMIM 601098.

Allele frequency attached by ClinVar (database versions not stated): TOPMed 0.00002; 1000 Genomes Project 30x 0.00016; 1000 Genomes Project 0.00020; gnomAD 0.00003; ExAC 0.00005.

Submission:

Labcorp Genetics (formerly Invitae), Labcorp
Classification: Uncertain significance for Charcot-Marie-Tooth disease type 1C. Last evaluated: 2025-06-02. Review status: criteria provided, single submitter. Criteria: Invitae Variant Classification Sherloc (09022015). Collection method: clinical testing. Allele origin: germline.
Comment: This sequence change replaces threonine, which is neutral and polar, with methionine, which is neutral and non-polar, at codon 45 of the LITAF protein (p.Thr45Met). This variant is present in population databases (rs565009015, gnomAD 0.006%). This variant has not been reported in the literature in individuals affected with LITAF-related conditions. ClinVar contains an entry for this variant (Variation ID: 2870468). An algorithm developed to predict the effect of missense changes on protein structure and function (PolyPhen-2) suggests that this variant is likely to be disruptive. In summary, the available evidence is currently insufficient to determine the role of this variant in disease. Therefore, it has been classified as a Variant of Uncertain Significance.

NM_001136472.2(LITAF):c.134C>T (p.Thr45Met)

Gene: LITAF (lipopolysaccharide induced TNF factor; minus strand). Cytogenetic location: 16p13.13.
Variant type: single nucleotide variant.
Coding change: c.134C>T on transcript NM_001136472.2 (MANE Select); coding-DNA position 134, C replaced by T.
Protein change: p.Thr45Met; replaces threonine 45 with methionine.
Molecular consequence: missense variant. On other transcripts: non-coding transcript variant (1).
Genome position (GRCh38, 1-based): chr16:11,556,597, G>A on the plus strand (C>T on the coding strand, the complement: LITAF is on the minus strand). VCF-style: chr16-11556597-G-A. GRCh37 (hg19) VCF-style: chr16-11650453-G-A.
Other names: c.134C>T, p.Thr45Met (NM_001136473.1, NM_004862.4); short protein forms T45M.
Identifiers: ClinVar variation 2870468 (VCV002870468.3), dbSNP rs565009015, ClinGen allele CA7904175.